The following is an entry in ClinVar:

ClinVar aggregate classification (germline): Uncertain significance (1 of 4 stars; one submission).

gnomAD v4.1: 5 of 1,613,958 alleles (0.00031%); highest among the groups gnomAD compares: Admixed American, 0.0033%; no homozygotes.

Submission:

Labcorp Genetics (formerly Invitae), Labcorp
Classification: Uncertain significance. Last evaluated: 2022-08-20. Review status: criteria provided, single submitter. Criteria: Invitae Variant Classification Sherloc (09022015). Collection method: clinical testing. Allele origin: germline.
Comment: This sequence change replaces arginine, which is basic and polar, with serine, which is neutral and polar, at codon 175 of the FAT4 protein (p.Arg175Ser). This variant is present in population databases (rs750530580, gnomAD 0.007%). This variant has not been reported in the literature in individuals affected with FAT4-related conditions. Advanced modeling of protein sequence and biophysical properties (such as structural, functional, and spatial information, amino acid conservation, physicochemical variation, residue mobility, and thermodynamic stability) performed at Invitae indicates that this missense variant is not expected to disrupt FAT4 protein function. In summary, the available evidence is currently insufficient to determine the role of this variant in disease. Therefore, it has been classified as a Variant of Uncertain Significance.

NM_001291303.3(FAT4):c.523C>A (p.Arg175Ser)

Gene: FAT4 (FAT atypical cadherin 4; plus strand). Cytogenetic location: 4q28.1.
Variant type: single nucleotide variant.
Coding change: c.523C>A on transcript NM_001291303.3 (MANE Select); coding-DNA position 523, C replaced by A.
Protein change: p.Arg175Ser; replaces arginine 175 with serine.
Molecular consequence: missense variant.
Genome position (GRCh38, 1-based): chr4:125,316,934, C>A. VCF-style: chr4-125316934-C-A. GRCh37 (hg19) VCF-style: chr4-126238089-C-A.
Other names: c.523C>A, p.Arg175Ser (NM_001291285.3, NM_024582.6); short protein forms R175S.
Identifiers: ClinVar variation 2428060 (VCV002428060.5), dbSNP rs750530580, ClinGen allele CA3071821.